The following is an entry in ClinVar:

NM_001458.5(FLNC):c.6133C>A (p.Arg2045=)

Genes: FLNC (filamin C; plus strand), FLNC-AS1 (FLNC antisense RNA 1; minus strand). Cytogenetic location: 7q32.1.
Variant type: single nucleotide variant.
Coding change: c.6133C>A on transcript NM_001458.5 (MANE Select); coding-DNA position 6133, C replaced by A.
Protein change: p.Arg2045=; no amino-acid change (arginine 2045 retained).
Molecular consequence: synonymous variant.
Genome position (GRCh38, 1-based): chr7:128,852,956, C>A. VCF-style: chr7-128852956-C-A. GRCh37 (hg19) VCF-style: chr7-128493010-C-A.
Other names: c.6034C>A, p.Arg2012= (NM_001127487.2).
Identifiers: ClinVar variation 1044171 (VCV001044171.9), dbSNP rs762748670, ClinGen allele CA457849525.

ClinVar aggregate classification (germline): Uncertain significance (1 of 4 stars; one submission).

Conditions:
Myofibrillar myopathy 5. Also called: FILAMINOPATHY, AUTOSOMAL DOMINANT; Filaminopathy (type). Identifiers: Orphanet 171445, MedGen C1836050, MONDO:0012289, OMIM 609524.
Distal myopathy with posterior leg and anterior hand involvement. Also called: WILLIAMS DISTAL MYOPATHY. Identifiers: Orphanet 63273, MedGen C3279722, MONDO:0013550, OMIM 614065.
Hypertrophic cardiomyopathy 26. Also called: Cardiomyopathy, familial hypertrophic, 26. Identifiers: Orphanet 75249, MedGen C4310749, MONDO:0014883, OMIM 617047.

gnomAD v4.1: 3 of 1,613,450 alleles (0.00019%); highest among the groups gnomAD compares: South Asian, 0.0033%; no homozygotes.

Submission:

Labcorp Genetics (formerly Invitae), Labcorp
Classification: Uncertain significance for Distal myopathy with posterior leg and anterior hand involvement; Myofibrillar myopathy 5; Hypertrophic cardiomyopathy 26. Last evaluated: 2020-09-23. Review status: criteria provided, single submitter. Criteria: Invitae Variant Classification Sherloc (09022015). Collection method: clinical testing. Allele origin: germline.
Comment: Algorithms developed to predict the effect of sequence changes on RNA splicing suggest that this variant may create or strengthen a splice site, but this prediction has not been confirmed by published transcriptional studies. In summary, the available evidence is currently insufficient to determine the role of this variant in disease. Therefore, it has been classified as a Variant of Uncertain Significance. This variant has not been reported in the literature in individuals with FLNC-related conditions. This variant is not present in population databases (ExAC no frequency). This sequence change affects codon 2045 of the FLNC mRNA. It is a 'silent' change, meaning that it does not change the encoded amino acid sequence of the FLNC protein.